The following is an entry in ClinVar:

ClinVar aggregate classification (germline): Conflicting classifications of pathogenicity. Review status: criteria provided, conflicting classifications (1 of 4 stars). 6 submissions from 6 submitters: Uncertain significance (1); Likely benign (3). 2 of the submissions do not count toward it. Last evaluated 2026-02-01.

Allele frequency attached by ClinVar (database versions not stated): ESP Exome Variant Server 0.00008; gnomAD 0.00009; TOPMed 0.00013.
gnomAD v4.1: 191 of 1,442,366 alleles (0.013%); highest among the groups gnomAD compares: Middle Eastern, 0.52%; 1 homozygote.

Submissions (6):

Labcorp Genetics (formerly Invitae), Labcorp
Classification: Likely benign. Last evaluated: 2026-02-01. Review status: criteria provided, single submitter. Criteria: Invitae Variant Classification Sherloc (09022015). Collection method: clinical testing. Allele origin: germline.

Blueprint Genetics
Classification: Likely benign. Last evaluated: 2024-10-29. Review status: criteria provided, single submitter. Criteria: ACMG Guidelines, 2015. Collection method: clinical testing. Allele origin: germline.

GeneDx
Classification: Likely benign. Last evaluated: 2021-08-30. Review status: criteria provided, single submitter. Criteria: GeneDx Variant Classification Process June 2021. Collection method: clinical testing. Allele origin: germline. Affected: yes.

Laboratory for Molecular Medicine, Mass General Brigham Personalized Medicine
Classification: Uncertain significance. Last evaluated: 2016-11-23. Review status: criteria provided, single submitter. Criteria: LMM Criteria. Collection method: clinical testing. Allele origin: germline. Observed: 2 variant alleles.
Comment: This variant has been identified in 4/10228 European chromosomes by the Exome Aggregation Consortium (ExAC; dbSNP rs374007277). Although this variant has been seen in the g eneral population, its frequency is not high enough to rule out a pathogenic rol e. This variant is located in the 3' splice region. Computational tools do not s uggest an impact to splicing. However, this information is not predictive enough to rule out pathogenicity. In summary, the clinical significance of the c.16079 -11C>G variant is uncertain.

Clinical Genetics, Academic Medical Center
Classification: Benign. Review status: no assertion criteria provided. Collection method: clinical testing. Allele origin: germline. Affected: yes. Study: VKGL Data-share Consensus. Not counted in ClinVar's aggregate classification.

Genome Diagnostics Laboratory, University Medical Center Utrecht
Classification: Benign. Review status: no assertion criteria provided. Collection method: clinical testing. Allele origin: germline. Affected: yes. Study: VKGL Data-share Consensus. Not counted in ClinVar's aggregate classification.

NM_032119.4(ADGRV1):c.16079-11C>G

Gene: ADGRV1 (adhesion G protein-coupled receptor V1; plus strand). Cytogenetic location: 5q14.3.
Variant type: single nucleotide variant.
Coding change: c.16079-11C>G on transcript NM_032119.4 (MANE Select); 11 bases into the intron before coding-DNA position 16079, C replaced by G.
Molecular consequence: intron variant.
Genome position (GRCh38, 1-based): chr5:90,815,608, C>G. VCF-style: chr5-90815608-C-G. GRCh37 (hg19) VCF-style: chr5-90111425-C-G.
Identifiers: ClinVar variation 228713 (VCV000228713.15), dbSNP rs374007277, ClinGen allele CA3342044.